The following is an entry in ClinVar:

NM_002439.5(MSH3):c.703del (p.Gln235fs)

Gene: MSH3 (mutS homolog 3; plus strand). Cytogenetic location: 5q14.1.
Variant type: Deletion.
Coding change: c.703del on transcript NM_002439.5 (MANE Select); coding-DNA position 703, one base deleted (C; older notation c.703delC).
Protein change: p.Gln235fs; shifts the reading frame from glutamine 235.
Molecular consequence: frameshift variant.
Genome position (GRCh38, 1-based): chr5:80,670,220, C deleted. VCF-style (leftmost placement, unchanged base first): chr5-80670219-AC-A. GRCh37 (hg19) VCF-style: chr5-79966038-AC-A.
Other names: short protein forms Q235fs.
Identifiers: ClinVar variation 4842835 (VCV004842835.1).
Genomic context (GRCh38, chr5:80,670,219, plus strand): 5'-GAAAACTGCTTCCAAATCAGCTAACAAACGGTCCAAAAGCATCTATACGCCGCTAGAATT[AC>A]AATACATAGAAATGAAGCAGCAGCACAAAGATGCAGTTTTGTGTGTGGAATGTGGATATA-3'

ClinVar aggregate classification (germline): Pathogenic (1 of 4 stars; one submission).

Conditions:
Hereditary cancer-predisposing syndrome. Also called: Neoplastic Syndromes, Hereditary; Tumor predisposition; Hereditary Cancer Syndrome; Hereditary neoplastic syndrome. Identifiers: Orphanet 140162, MedGen C0027672, MeSH D009386, MONDO:0015356.

Submission:

Ambry Genetics
Classification: Pathogenic for Hereditary cancer-predisposing syndrome. Last evaluated: 2025-12-23. Review status: criteria provided, single submitter. Criteria: Ambry Variant Classification Scheme 2023. Collection method: clinical testing. Allele origin: germline.
Comment: The c.703delC pathogenic mutation, located in coding exon 4 of the MSH3 gene, results from a deletion of one nucleotide at nucleotide position 703, causing a translational frameshift with a predicted alternate stop codon (p.Q235Nfs*3). This variant is considered to be rare based on population cohorts in the Genome Aggregation Database (gnomAD). This alteration is expected to result in loss of function by premature protein truncation or nonsense-mediated mRNA decay. As such, this alteration is interpreted as a disease-causing mutation.